The following is an entry in ClinVar:

NM_000393.5(COL5A2):c.1699G>A (p.Gly567Arg)

Gene: COL5A2 (collagen type V alpha 2 chain; minus strand). Cytogenetic location: 2q32.2.
Variant type: single nucleotide variant.
Coding change: c.1699G>A on transcript NM_000393.5 (MANE Select); coding-DNA position 1699, G replaced by A.
Protein change: p.Gly567Arg; replaces glycine 567 with arginine.
Molecular consequence: missense variant.
Genome position (GRCh38, 1-based): chr2:189,064,574, C>T on the plus strand (G>A on the coding strand, the complement: COL5A2 is on the minus strand). VCF-style: chr2-189064574-C-T. GRCh37 (hg19) VCF-style: chr2-189929300-C-T.
Other names: p.G567R:GGG>AGG; c.1699G>A (NM_000393.4); short protein forms G567R.
Identifiers: ClinVar variation 213145 (VCV000213145.22), dbSNP rs863223503, ClinGen allele CA321451.

ClinVar aggregate classification (germline): Uncertain significance. Review status: criteria provided, multiple submitters, no conflicts (2 of 4 stars). 6 submissions from 6 submitters: Uncertain significance (5). 1 of the submissions does not count toward it. Last evaluated 2026-08-18.

Conditions:
COL5A2-related disorder. Also called: COL5A2-related condition.
Ehlers-Danlos syndrome, classic type, 1 (EDSCL1). Also called: EDS I; Ehlers-Danlos Syndrome, Classic Type, COL5A1-Related; EHLERS-DANLOS SYNDROME, GRAVIS TYPE; EHLERS-DANLOS SYNDROME, SEVERE CLASSIC TYPE; Ehlers-Danlos syndrome, type 1. Identifiers: MedGen C0268335, MONDO:0019567, OMIM 130000.
Familial thoracic aortic aneurysm and aortic dissection (TAAD). Also called: Thoracic aortic aneurysms and dissections. Identifiers: Orphanet 91387, MedGen C4707243, MONDO:0019625.

Allele frequency attached by ClinVar (database versions not stated): gnomAD exomes below 0.00001; TOPMed 0.00001; gnomAD 0.00001.
gnomAD v4.1: 4 of 1,613,782 alleles (0.00025%); highest among the groups gnomAD compares: Non-Finnish European, 0.00034%; no homozygotes.

Submissions (6):

Ambry Genetics
Classification: Uncertain significance for Familial thoracic aortic aneurysm and aortic dissection. Last evaluated: 2026-08-18. Review status: criteria provided, single submitter. Criteria: Ambry Variant Classification Scheme 2023. Collection method: clinical testing. Allele origin: germline.

Labcorp Genetics (formerly Invitae), Labcorp
Classification: Uncertain significance for Ehlers-Danlos syndrome, classic type, 1. Last evaluated: 2026-01-31. Review status: criteria provided, single submitter. Criteria: Invitae Variant Classification Sherloc (09022015). Collection method: clinical testing. Allele origin: germline.
Comment: This sequence change replaces glycine, which is neutral and non-polar, with arginine, which is basic and polar, at codon 567 of the COL5A2 protein (p.Gly567Arg). This variant is not present in population databases (gnomAD no frequency). This variant has not been reported in the literature in individuals affected with COL5A2-related conditions. ClinVar contains an entry for this variant (Variation ID: 213145). Invitae Evidence Modeling of protein sequence and biophysical properties (such as structural, functional, and spatial information, amino acid conservation, physicochemical variation, residue mobility, and thermodynamic stability) indicates that this missense variant is expected to disrupt COL5A2 protein function with a positive predictive value of 80%. In summary, the available evidence is currently insufficient to determine the role of this variant in disease. Therefore, it has been classified as a Variant of Uncertain Significance.

GeneDx
Classification: Uncertain significance. Last evaluated: 2024-11-25. Review status: criteria provided, single submitter. Criteria: GeneDx Variant Classification Process June 2021. Collection method: clinical testing. Allele origin: germline. Affected: yes.
Comment: Has not been previously published as pathogenic or benign to our knowledge; Not observed at significant frequency in large population cohorts (gnomAD); In silico analysis supports that this missense variant has a deleterious effect on protein structure/function; This variant is associated with the following publications: (PMID: 22696272)

Greenwood Genetic Center Diagnostic Laboratories, Greenwood Genetic Center
Classification: Uncertain significance. Last evaluated: 2022-01-25. Review status: criteria provided, single submitter. Criteria: ACMG Guidelines, 2015. Collection method: clinical testing. Allele origin: germline. Affected: yes.
Comment: PM2, PP3

AiLife Diagnostics
Classification: Uncertain significance. Last evaluated: 2021-06-23. Review status: criteria provided, single submitter. Criteria: ACMG Guidelines, 2015. Collection method: clinical testing. Allele origin: germline. Affected: yes. Observed: 1 variant allele.

PreventionGenetics, part of Exact Sciences
Classification: Uncertain significance for COL5A2-related condition. Last evaluated: 2023-11-28. Review status: no assertion criteria provided. Collection method: clinical testing. Allele origin: germline. Not counted in ClinVar's aggregate classification.
Comment: The COL5A2 c.1699G>A variant is predicted to result in the amino acid substitution p.Gly567Arg. To our knowledge, this variant has not been reported in the literature or in a large population database, indicating this variant is rare. Missense variants in COL5A2 that are reported to be causative for Ehlers-Danlos syndrome substitute a glycine residue to bulkier amino acid in the triple helical region (for examples, see Malfait et al. 2005. PubMed ID: 15580559; Symoens et al. 2012. PubMed ID: 22696272). At this time, the clinical significance of this variant is uncertain due to the absence of conclusive functional and genetic evidence.